The following is an entry in ClinVar:

ClinVar aggregate classification (germline): Uncertain significance. Review status: criteria provided, multiple submitters, no conflicts (2 of 4 stars). 2 submissions from 2 submitters: Uncertain significance (2). Last evaluated 2025-10-29.

Conditions:
Familial cancer of breast. Also called: Hereditary breast cancer; BREAST CANCER, FAMILIAL; hereditary breast carcinoma. Identifiers: Orphanet 227535, MedGen C0346153, MONDO:0016419, OMIM 114480. Disease mechanism: loss of function.
Hereditary cancer-predisposing syndrome. Also called: Hereditary neoplastic syndrome; Hereditary Cancer Syndrome; Tumor predisposition; Neoplastic Syndromes, Hereditary. Identifiers: Orphanet 140162, MedGen C0027672, MeSH D009386, MONDO:0015356.

Submissions (2):

Ambry Genetics
Classification: Uncertain significance for Hereditary cancer-predisposing syndrome. Last evaluated: 2025-10-29. Review status: criteria provided, single submitter. Criteria: Ambry Variant Classification Scheme 2023. Collection method: clinical testing. Allele origin: germline.
Comment: The p.Q568R variant (also known as c.1703A>G), located in coding exon 5 of the PALB2 gene, results from an A to G substitution at nucleotide position 1703. The glutamine at codon 568 is replaced by arginine, an amino acid with highly similar properties. This amino acid position is conserved. In addition, this alteration is predicted to be tolerated by in silico analysis. Based on the available evidence, the clinical significance of this variant remains unclear.

Labcorp Genetics (formerly Invitae), Labcorp
Classification: Uncertain significance for Familial cancer of breast. Last evaluated: 2024-11-05. Review status: criteria provided, single submitter. Criteria: Invitae Variant Classification Sherloc (09022015). Collection method: clinical testing. Allele origin: germline.
Comment: This sequence change replaces glutamine, which is neutral and polar, with arginine, which is basic and polar, at codon 568 of the PALB2 protein (p.Gln568Arg). This variant is not present in population databases (gnomAD no frequency). This variant has not been reported in the literature in individuals affected with PALB2-related conditions. ClinVar contains an entry for this variant (Variation ID: 2135273). Invitae Evidence Modeling of protein sequence and biophysical properties (such as structural, functional, and spatial information, amino acid conservation, physicochemical variation, residue mobility, and thermodynamic stability) indicates that this missense variant is not expected to disrupt PALB2 protein function with a negative predictive value of 80%. In summary, the available evidence is currently insufficient to determine the role of this variant in disease. Therefore, it has been classified as a Variant of Uncertain Significance.

NM_024675.4(PALB2):c.1703A>G (p.Gln568Arg)

Gene: PALB2 (partner and localizer of BRCA2; minus strand). Cytogenetic location: 16p12.2.
Variant type: single nucleotide variant.
Coding change: c.1703A>G on transcript NM_024675.4 (MANE Select); coding-DNA position 1703, A replaced by G.
Protein change: p.Gln568Arg; replaces glutamine 568 with arginine.
Molecular consequence: missense variant.
Genome position (GRCh38, 1-based): chr16:23,630,451, T>C on the plus strand (A>G on the coding strand, the complement: PALB2 is on the minus strand). VCF-style: chr16-23630451-T-C. GRCh37 (hg19) VCF-style: chr16-23641772-T-C.
Other names: c.1643A>G, p.Gln548Arg (NM_001407296.1); c.1703A>G, p.Gln568Arg (NM_001407297.1, NM_001407298.1, NM_001407299.1 and 3 more transcripts); c.818A>G, p.Gln273Arg (NM_001407304.1, NM_001407305.1, NM_001407306.1 and 5 more transcripts); c.-86A>G (NM_001407312.1, NM_001407313.1); short protein forms Q273R, Q548R, Q568R.
Identifiers: ClinVar variation 2135273 (VCV002135273.5), dbSNP rs2506439396, ClinGen allele CA395128437.